The following is an entry in ClinVar:

NM_004453.4(ETFDH):c.813C>T (p.Tyr271=)

Gene: ETFDH (electron transfer flavoprotein dehydrogenase; plus strand). Cytogenetic location: 4q32.1.
Variant type: single nucleotide variant.
Coding change: c.813C>T on transcript NM_004453.4 (MANE Select); coding-DNA position 813, C replaced by T.
Protein change: p.Tyr271=; no amino-acid change (tyrosine 271 retained).
Molecular consequence: synonymous variant.
Genome position (GRCh38, 1-based): chr4:158,695,625, C>T. VCF-style: chr4-158695625-C-T. GRCh37 (hg19) VCF-style: chr4-159616777-C-T.
Other names: c.672C>T, p.Tyr224= (NM_001281737.2); c.630C>T, p.Tyr210= (NM_001281738.1).
Identifiers: ClinVar variation 2161188 (VCV002161188.9), dbSNP rs772560728, ClinGen allele CA3122449.
Genomic context (GRCh38, chr4:158,695,625, plus strand): 5'-TCTAGCCAAGCAACTATATAAGAAGTTTGATTTGAGAGCAAATTGTGAACCTCAAACCTA[C>T]GGGATTGGACTGAAGGAGGTATCCTGGTTTGTTTCTGTAATTTTAATTTTGAAAGATGGA-3'
Protein context (NP_004444.2, residues 261-281): DLRANCEPQT[Tyr271=]GIGLKELWVI

ClinVar aggregate classification (germline): Likely benign. Review status: criteria provided, multiple submitters, no conflicts (2 of 4 stars). 2 submissions from 2 submitters: Likely benign (2). Last evaluated 2025-12-01.

Conditions:
Multiple acyl-CoA dehydrogenase deficiency (MADD). Also called: Glutaric aciduria, type 2; Glutaric acidemia type II; GA 2; Glutaric Acidemia type 2; ETHYLMALONIC-ADIPICACIDURIA; GA II. Identifiers: Orphanet 26791, MedGen C0268596, MONDO:0009282, OMIM 231680.

Allele frequency attached by ClinVar (database versions not stated): gnomAD exomes 0.00001; TOPMed 0.00002; gnomAD 0.00003; ExAC 0.00004.
gnomAD v4.1: 19 of 1,609,604 alleles (0.0012%); highest among the groups gnomAD compares: Middle Eastern, 0.016%; no homozygotes.

Submissions (2):

CeGaT Center for Human Genetics Tuebingen
Classification: Likely benign. Last evaluated: 2025-12-01. Review status: criteria provided, single submitter. Criteria: CeGaT Center For Human Genetics Tuebingen Variant Classification Criteria Version 2. Collection method: clinical testing. Allele origin: germline. Affected: yes. Observed: 1 variant allele.
Comment: ETFDH: BP4, BP7

Labcorp Genetics (formerly Invitae), Labcorp
Classification: Likely benign for Multiple acyl-CoA dehydrogenase deficiency. Last evaluated: 2025-08-18. Review status: criteria provided, single submitter. Criteria: Invitae Variant Classification Sherloc (09022015). Collection method: clinical testing. Allele origin: germline.